The following is an entry in ClinVar:

NM_001005242.3(PKP2):c.1331A>G (p.Gln444Arg)

Gene: PKP2 (plakophilin 2; minus strand). Cytogenetic location: 12p11.21.
Variant type: single nucleotide variant.
Coding change: c.1331A>G on transcript NM_001005242.3 (MANE Select); coding-DNA position 1331, A replaced by G.
Protein change: p.Gln444Arg; replaces glutamine 444 with arginine.
Molecular consequence: missense variant.
Genome position (GRCh38, 1-based): chr12:32,850,813, T>C on the plus strand (A>G on the coding strand, the complement: PKP2 is on the minus strand). VCF-style: chr12-32850813-T-C. GRCh37 (hg19) VCF-style: chr12-33003747-T-C.
Other names: c.1331A>G, p.Gln444Arg (NM_001407155.1, NM_001407156.1, NM_001407157.1 and 2 more transcripts); c.1004A>G, p.Gln335Arg (NM_001407158.1, NM_001407159.1, NM_001407160.1 and 1 more transcripts); short protein forms Q335R, Q444R.
Identifiers: ClinVar variation 3387485 (VCV003387485.1).

ClinVar aggregate classification (germline): Uncertain significance (1 of 4 stars; one submission).

Conditions:
Arrhythmogenic right ventricular cardiomyopathy (ARVD). Also called: Arrhythmogenic right ventricular dysplasia; Cardiomyopathy, ARVC; Arrhythmogenic cardiomyopathy; Arrhythmogenic Right Ventricular Cardiomyopathy (ARVC). Identifiers: Orphanet 247, MedGen C0349788, MeSH D019571, MONDO:0016587. Disease mechanism: loss of function. Inheritance: Various modes of inheritance.

Submission:

All of Us Research Program, National Institutes of Health
Classification: Uncertain significance for Arrhythmogenic right ventricular cardiomyopathy. Last evaluated: 2024-09-23. Review status: criteria provided, single submitter. Criteria: ACMG Guidelines, 2015. Collection method: clinical testing. Allele origin: germline. Inheritance: Autosomal dominant inheritance. Observed: 1 variant allele, 1 heterozygote.
Comment: This study involves interpretation of variants in research participants for the purpose of population health screening. Participant phenotype was not available at the time of variant classification. Additional details can be found in publication PMID: 35346344, PMCID: PMC8962531